The following is an entry in ClinVar:

ClinVar aggregate classification (germline): Conflicting classifications of pathogenicity. Review status: criteria provided, conflicting classifications (1 of 4 stars). 2 submissions from 2 submitters: Uncertain significance (1); Benign (1). Last evaluated 2025-10-18.

Conditions:
Hereditary cancer-predisposing syndrome. Also called: Tumor predisposition; Hereditary neoplastic syndrome; Neoplastic Syndromes, Hereditary; Hereditary Cancer Syndrome. Identifiers: Orphanet 140162, MedGen C0027672, MeSH D009386, MONDO:0015356.
Cardiovascular phenotype. Identifiers: MedGen CN230736.
Neurofibromatosis, type 1 (NF1). Also called: Peripheral type neurofibromatosis; VON RECKLINGHAUSEN DISEASE; Neurofibromatosis, type I; NEUROFIBROMATOSIS, TYPE I, SOMATIC. Identifiers: Orphanet 636, MedGen C0027831, MONDO:0018975, OMIM 162200. Disease mechanism: loss of function.

Allele frequency attached by ClinVar (database versions not stated): gnomAD 0.00001; 1000 Genomes Project 30x 0.00031; 1000 Genomes Project 0.00060.
gnomAD v4.1: 1 of 1,613,568 alleles (0.000062%); highest among the groups gnomAD compares: Admixed American, 0.0017%; no homozygotes.

Submissions (2):

Labcorp Genetics (formerly Invitae), Labcorp
Classification: Benign for Neurofibromatosis, type 1. Last evaluated: 2025-10-18. Review status: criteria provided, single submitter. Criteria: Invitae Variant Classification Sherloc (09022015). Collection method: clinical testing. Allele origin: germline.

Ambry Genetics
Classification: Uncertain significance for Cardiovascular phenotype; Hereditary cancer-predisposing syndrome. Last evaluated: 2025-10-08. Review status: criteria provided, single submitter. Criteria: Ambry Variant Classification Scheme 2023. Collection method: clinical testing. Allele origin: germline.
Comment: The p.D1955E variant (also known as c.5865C>A), located in coding exon 39 of the NF1 gene, results from a C to A substitution at nucleotide position 5865. The aspartic acid at codon 1955 is replaced by glutamic acid, an amino acid with highly similar properties. This amino acid position is highly conserved in available vertebrate species. In addition, the in silico prediction for this alteration is inconclusive. Since supporting evidence is limited at this time, the clinical significance of this alteration remains unclear.

NM_001042492.3(NF1):c.5928C>A (p.Asp1976Glu)

Gene: NF1 (neurofibromin 1; plus strand). Cytogenetic location: 17q11.2.
Variant type: single nucleotide variant.
Coding change: c.5928C>A on transcript NM_001042492.3 (MANE Select); coding-DNA position 5928, C replaced by A.
Protein change: p.Asp1976Glu; replaces aspartic acid 1976 with glutamic acid.
Molecular consequence: missense variant.
Genome position (GRCh38, 1-based): chr17:31,334,953, C>A. VCF-style: chr17-31334953-C-A. GRCh37 (hg19) VCF-style: chr17-29661971-C-A.
Other names: c.5865C>A, p.Asp1955Glu (NM_000267.4); short protein forms D1955E, D1976E.
Identifiers: ClinVar variation 939927 (VCV000939927.10), dbSNP rs568852704, ClinGen allele CA289384606.
Genomic context (GRCh38, chr17:31,334,953, plus strand): 5'-AGTTCGTTTTTGCAAGCATAATGATGATGCCAAACGACAAAGAGTTACTGCTATTCTTGA[C>A]AAGCTGATAACAATGACCATCAATGAAAAACAGATGTACCCATCTATTCAAGCAAAAATA-3'
Protein context (NP_001035957.1, residues 1966-1986): AKRQRVTAIL[Asp1976Glu]KLITMTINEK